The following is an entry in ClinVar:

ClinVar aggregate classification (germline): Uncertain significance (1 of 4 stars; one submission).

Allele frequency attached by ClinVar (database versions not stated): ExAC 0.00002; gnomAD 0.00003; TOPMed 0.00003.
gnomAD v4.1: 21 of 1,613,788 alleles (0.0013%); highest among the groups gnomAD compares: African/African-American, 0.008%; no homozygotes.

Submission:

Labcorp Genetics (formerly Invitae), Labcorp
Classification: Uncertain significance. Last evaluated: 2025-01-21. Review status: criteria provided, single submitter. Criteria: Invitae Variant Classification Sherloc (09022015). Collection method: clinical testing. Allele origin: germline.
Comment: This sequence change replaces proline, which is neutral and non-polar, with leucine, which is neutral and non-polar, at codon 432 of the TNFRSF11A protein (p.Pro432Leu). This variant is present in population databases (rs267605223, gnomAD 0.01%). This variant has not been reported in the literature in individuals affected with TNFRSF11A-related conditions. ClinVar contains an entry for this variant (Variation ID: 2171251). An algorithm developed to predict the effect of missense changes on protein structure and function outputs the following: PolyPhen-2: "Benign". The leucine amino acid residue is found in multiple mammalian species, which suggests that this missense change does not adversely affect protein function. In summary, the available evidence is currently insufficient to determine the role of this variant in disease. Therefore, it has been classified as a Variant of Uncertain Significance.

NM_003839.4(TNFRSF11A):c.1295C>T (p.Pro432Leu)

Gene: TNFRSF11A (TNF receptor superfamily member 11a; plus strand). Cytogenetic location: 18q21.33.
Variant type: single nucleotide variant.
Coding change: c.1295C>T on transcript NM_003839.4 (MANE Select); coding-DNA position 1295, C replaced by T.
Protein change: p.Pro432Leu; replaces proline 432 with leucine.
Molecular consequence: missense variant. On other transcripts: intron variant (3).
Genome position (GRCh38, 1-based): chr18:62,369,212, C>T. VCF-style: chr18-62369212-C-T. GRCh37 (hg19) VCF-style: chr18-60036445-C-T.
Other names: c.1253C>T, p.Pro418Leu (NM_001278268.2); c.783+2452C>T (NM_001270949.2); c.730+7419C>T (NM_001270950.2); c.616+9163C>T (NM_001270951.2); short protein forms P432L, P418L.
Identifiers: ClinVar variation 2171251 (VCV002171251.4), dbSNP rs267605223, ClinGen allele CA8983941.
Genomic context (GRCh38, chr18:62,369,212, plus strand): 5'-ATTGGACTCCCATGTCCTCTGAAAACTACTTGCAAAAAGAGGTGGACAGTGGCCATTGCC[C>T]GCACTGGGCAGCCAGCCCCAGCCCCAACTGGGCAGATGTCTGCACAGGCTGCCGGAACCC-3'
Protein context (NP_003830.1, residues 422-442): LQKEVDSGHC[Pro432Leu]HWAASPSPNW